The following is an entry in ClinVar:

ClinVar aggregate classification (germline): Conflicting classifications of pathogenicity. Review status: criteria provided, conflicting classifications (1 of 4 stars). 3 submissions from 3 submitters: Uncertain significance (2); Likely benign (1). Last evaluated 2025-04-13.

Conditions:
Hereditary breast ovarian cancer syndrome. Also called: Hereditary breast and ovarian cancer syndrome; Breast and ovarian cancer; BRCA1- and BRCA2-Associated Hereditary Breast and Ovarian Cancer; Hereditary breast and ovarian cancer; Hereditary breast and/or ovarian cancer syndrome; Hereditary breast and ovarian cancer syndrome (HBOC). Identifiers: Orphanet 145, MedGen C0677776, MeSH D061325, MONDO:0003582. Disease mechanism: loss of function.
Hereditary cancer-predisposing syndrome. Also called: Hereditary neoplastic syndrome; Neoplastic Syndromes, Hereditary; Tumor predisposition; Hereditary Cancer Syndrome. Identifiers: Orphanet 140162, MedGen C0027672, MeSH D009386, MONDO:0015356.

Allele frequency attached by ClinVar (database versions not stated): gnomAD exomes below 0.00001.
gnomAD v4.1: 1 of 1,613,400 alleles (0.000062%); highest among the groups gnomAD compares: South Asian, 0.0011%; no homozygotes.

Submissions (3):

Ambry Genetics
Classification: Uncertain significance for Hereditary cancer-predisposing syndrome. Last evaluated: 2025-04-13. Review status: criteria provided, single submitter. Criteria: Ambry Variant Classification Scheme 2023. Collection method: clinical testing. Allele origin: germline.
Comment: The p.K1549E variant (also known as c.4645A>G), located in coding exon 10 of the BRCA2 gene, results from an A to G substitution at nucleotide position 4645. The lysine at codon 1549 is replaced by glutamic acid, an amino acid with similar properties. This amino acid position is conserved. In addition, this alteration is predicted to be tolerated by in silico analysis. Since supporting evidence is limited at this time, the clinical significance of this alteration remains unclear.

University of Washington Department of Laboratory Medicine, University of Washington
Classification: Likely benign for Hereditary cancer-predisposing syndrome. Last evaluated: 2023-03-23. Review status: criteria provided, single submitter. Criteria: Dines et al. (Genet Med. 2020). Collection method: curation. Allele origin: germline.
Comment: Missense variant in a coldspot region where missense variants are very unlikely to be pathogenic (PMID:31911673).

BRCA2 exon 11 coldspot. Reclassification based on statistical prior probability.

Labcorp Genetics (formerly Invitae), Labcorp
Classification: Uncertain significance for Hereditary breast ovarian cancer syndrome. Last evaluated: 2019-05-20. Review status: criteria provided, single submitter. Criteria: Invitae Variant Classification Sherloc (09022015). Collection method: clinical testing. Allele origin: germline.
Comment: In summary, the available evidence is currently insufficient to determine the role of this variant in disease. Therefore, it has been classified as a Variant of Uncertain Significance. Algorithms developed to predict the effect of missense changes on protein structure and function output the following: SIFT: "Tolerated"; PolyPhen-2: "Benign"; Align-GVGD: "Class C0". The glutamic acid amino acid residue is found in multiple mammalian species, suggesting that this missense change does not adversely affect protein function. These predictions have not been confirmed by published functional studies and their clinical significance is uncertain. This variant has not been reported in the literature in individuals with BRCA2-related conditions. This variant is not present in population databases (ExAC no frequency). This sequence change replaces lysine with glutamic acid at codon 1549 of the BRCA2 protein (p.Lys1549Glu). The lysine residue is weakly conserved and there is a small physicochemical difference between lysine and glutamic acid.

NM_000059.4(BRCA2):c.4645A>G (p.Lys1549Glu)

Gene: BRCA2 (BRCA2 DNA repair associated; plus strand). Cytogenetic location: 13q13.1.
Variant type: single nucleotide variant.
Coding change: c.4645A>G on transcript NM_000059.4 (MANE Select); coding-DNA position 4645, A replaced by G.
Protein change: p.Lys1549Glu; replaces lysine 1549 with glutamic acid.
Molecular consequence: missense variant.
Genome position (GRCh38, 1-based): chr13:32,339,000, A>G. VCF-style: chr13-32339000-A-G. GRCh37 (hg19) VCF-style: chr13-32913137-A-G.
Other names: short protein forms K1549E.
Identifiers: ClinVar variation 836376 (VCV000836376.14), dbSNP rs2072509841, ClinGen allele CA387782166.